The following is an entry in ClinVar:

NM_001040142.2(SCN2A):c.1395_1406dup (p.Ala466_Ala469dup)

Gene: SCN2A (sodium voltage-gated channel alpha subunit 2; plus strand). Cytogenetic location: 2q24.3.
Variant type: Duplication.
Coding change: c.1395_1406dup on transcript NM_001040142.2 (MANE Select); coding-DNA positions 1395 to 1406, 12 bases duplicated (AGCCGCATCTGC).
Protein change: p.Ala466_Ala469dup.
Molecular consequence: inframe insertion.
Genome position (GRCh38, 1-based): chr2:165,315,482-165,315,493, AGCCGCATCTGC duplicated; duplicating any 12 consecutive bases within chr2:165,315,478-165,315,493 gives the same sequence; the c. name uses the placement nearest the transcript's 3' end. VCF-style (leftmost placement, unchanged base first): chr2-165315477-G-GCTGCAGCCGCAT. GRCh37 (hg19) VCF-style: chr2-166171987-G-GCTGCAGCCGCAT.
Other names: c.1395_1406dup, p.Ala466_Ala469dup (NM_001040143.2, NM_001371246.1, NM_001371247.1 and 1 more transcripts).
Identifiers: ClinVar variation 1045606 (VCV001045606.11), dbSNP rs1697689259, ClinGen allele CA1304534062.

ClinVar aggregate classification (germline): Uncertain significance (1 of 4 stars; one submission).

Conditions:
Seizures, benign familial infantile, 3 (BFIS3). Also called: CONVULSIONS, BENIGN FAMILIAL INFANTILE, 3; Familial neonatal seizures. Identifiers: Orphanet 140927, Orphanet 306, MedGen C1843140, MONDO:0011904, OMIM 607745.
Developmental and epileptic encephalopathy, 11 (DEE11). Also called: Early infantile epileptic encephalopathy 11. Identifiers: Orphanet 1934, MedGen C3150987, MONDO:0013388, OMIM 613721.

Submission:

Labcorp Genetics (formerly Invitae), Labcorp
Classification: Uncertain significance for Seizures, benign familial infantile, 3; Developmental and epileptic encephalopathy, 11. Last evaluated: 2020-03-23. Review status: criteria provided, single submitter. Criteria: Invitae Variant Classification Sherloc (09022015). Collection method: clinical testing. Allele origin: germline.
Comment: In summary, the available evidence is currently insufficient to determine the role of this variant in disease. Therefore, it has been classified as a Variant of Uncertain Significance. Experimental studies and prediction algorithms are not available or were not evaluated, and the functional significance of this variant is currently unknown. This variant is not present in population databases (ExAC no frequency). This variant, c.1395_1406dup, results in the insertion of 4 amino acid(s) to the SCN2A protein (p.Ala466_Ala469dup), but otherwise preserves the integrity of the reading frame. This variant has not been reported in the literature in individuals with SCN2A-related conditions.